The following is an entry in ClinVar:

ClinVar aggregate classification (germline): Pathogenic/Likely pathogenic. Review status: criteria provided, multiple submitters, no conflicts (2 of 4 stars). 3 submissions from 3 submitters: Pathogenic (2); Likely pathogenic (1). Last evaluated 2024-01-17.

Conditions:
Nephronophthisis. Also called: Juvenile Nephronophthisis. Identifiers: Orphanet 655, MedGen C0687120, MONDO:0019005, HP:0000090.
Nephronophthisis 4 (NPHP4). Also called: NEPHRONOPHTHISIS 4, JUVENILE. Identifiers: Orphanet 655, MedGen C1847013, MONDO:0011752, OMIM 606966.
Senior-Loken syndrome 4 (SLSN4). Identifiers: Orphanet 3156, MedGen C1846979, MONDO:0011756, OMIM 606996.

Submissions (3):

Fulgent Genetics
Classification: Likely pathogenic for Nephronophthisis 4; Senior-Loken syndrome 4. Last evaluated: 2024-01-17. Review status: criteria provided, single submitter. Criteria: ACMG Guidelines, 2015. Collection method: clinical testing. Allele origin: germline.

Labcorp Genetics (formerly Invitae), Labcorp
Classification: Pathogenic for Nephronophthisis. Last evaluated: 2022-11-08. Review status: criteria provided, single submitter. Criteria: Invitae Variant Classification Sherloc (09022015). Collection method: clinical testing. Allele origin: germline.
Comment: ClinVar contains an entry for this variant (Variation ID: 1433031). For these reasons, this variant has been classified as Pathogenic. This variant has not been reported in the literature in individuals affected with NPHP4-related conditions. This variant is present in population databases (no rsID available, gnomAD 0.009%). This sequence change creates a premature translational stop signal (p.Phe670Serfs*30) in the NPHP4 gene. It is expected to result in an absent or disrupted protein product. Loss-of-function variants in NPHP4 are known to be pathogenic (PMID: 12205563, 23559409).

Clinical Genetics Service, Universitary Hospital 12 de Octubre
Classification: Pathogenic for Nephronophthisis 4. Review status: criteria provided, single submitter. Criteria: ACMG Guidelines, 2015. Collection method: clinical testing. Allele origin: germline. Affected: yes.

Literature cited by the submitters: PubMed 12205563 (cited by Labcorp Genetics (formerly Invitae), Labcorp); PubMed 23559409 (cited by Labcorp Genetics (formerly Invitae), Labcorp).

NM_015102.5(NPHP4):c.2007del (p.Phe670fs)

Gene: NPHP4 (nephrocystin 4; minus strand). Cytogenetic location: 1p36.31.
Variant type: Deletion.
Coding change: c.2007del on transcript NM_015102.5 (MANE Select); coding-DNA position 2007, one base deleted (C; older notation c.2007delC).
Protein change: p.Phe670fs; shifts the reading frame from phenylalanine 670.
Molecular consequence: frameshift variant. On other transcripts: non-coding transcript variant (1).
Genome position (GRCh38, 1-based): chr1:5,904,753, G deleted on the plus strand (C on the coding strand, the reverse complement: NPHP4 is on the minus strand); the first of 2 consecutive G bases (chr1:5,904,753-5,904,754); deleting either gives the same sequence. VCF-style (leftmost placement, unchanged base first): chr1-5904752-AG-A. GRCh37 (hg19) VCF-style: chr1-5964812-AG-A.
Other names: c.468del, p.Phe157fs (NM_001291593.2); c.471del, p.Phe158fs (NM_001291594.2); c.2007del (NM_015102.4); short protein forms F158fs, F157fs, F670fs.
Identifiers: ClinVar variation 1433031 (VCV001433031.9), dbSNP rs1235304713, ClinGen allele CA521017273.
Genomic context (GRCh38, chr1:5,904,752, plus strand): 5'-CATCCAGCTGGACCAGCTGCAGTCGTGGCGTCGTTGCGGGTGGGAAGCGGTAGAACTGGA[AG>A]GTGAAATACACAGTCTTTGGCCATGATGTTCCTCGGCAGTCCTGGGCCACTCTGAATCCA-3'